The following is an entry in ClinVar:

NM_001267550.2(TTN):c.15625A>C (p.Arg5209=)

Gene: TTN (titin; minus strand). Cytogenetic location: 2q31.2.
Variant type: single nucleotide variant.
Coding change: c.15625A>C on transcript NM_001267550.2 (MANE Select); coding-DNA position 15625, A replaced by C.
Protein change: p.Arg5209=; no amino-acid change (arginine 5209 retained).
Molecular consequence: synonymous variant. On other transcripts: intron variant (3).
Genome position (GRCh38, 1-based): chr2:178,733,764, T>G on the plus strand (A>C on the coding strand, the complement: TTN is on the minus strand). VCF-style: chr2-178733764-T-G. GRCh37 (hg19) VCF-style: chr2-179598491-T-G.
Other names: c.14674A>C, p.Arg4892= (NM_001256850.1); c.11893A>C, p.Arg3965= (NM_133378.4); c.13282+4318A>C (NM_003319.4); c.13858+4318A>C (NM_133437.4); c.13657+4318A>C (NM_133432.3).
Identifiers: ClinVar variation 512710 (VCV000512710.10), dbSNP rs1392727449, ClinGen allele CA430294185.
Genomic context (GRCh38, chr2:178,733,764, plus strand): 5'-CAGGGATTATCAAGACTGCAACACCATTGGAAAAGCTCATTTTGATTTTTCCGTCTTCTC[T>G]GATGACCTCTTGACCTTTCATCCATGTGACAGAAATGGGCTCTGACCCTCTCACAGCAGC-3'
Protein context (NP_001254479.2, residues 5199-5219): VTWMKGQEVI[Arg5209=]EDGKIKMSFS

ClinVar aggregate classification (germline): Likely benign. Review status: criteria provided, multiple submitters, no conflicts (2 of 4 stars). 2 submissions from 2 submitters: Likely benign (2). Last evaluated 2020-10-06.

Conditions:
Autosomal recessive limb-girdle muscular dystrophy type 2J (LGMDR10). Also called: MUSCULAR DYSTROPHY, LIMB-GIRDLE, AUTOSOMAL RECESSIVE 10; Limb-girdle muscular dystrophy, type 2J. Identifiers: Orphanet 140922, MedGen C1837342, MONDO:0012127, OMIM 608807.
Dilated cardiomyopathy 1G (CMD1G). Identifiers: Orphanet 154, MedGen C1858763, MONDO:0011400, OMIM 604145.

gnomAD v4.1: 2 of 1,613,768 alleles (0.00012%); highest among the groups gnomAD compares: Non-Finnish European, 0.00017%; no homozygotes.

Submissions (2):

Labcorp Genetics (formerly Invitae), Labcorp
Classification: Likely benign for Dilated cardiomyopathy 1G; Autosomal recessive limb-girdle muscular dystrophy type 2J. Last evaluated: 2020-10-06. Review status: criteria provided, single submitter. Criteria: Invitae Variant Classification Sherloc (09022015). Collection method: clinical testing. Allele origin: germline.

GeneDx
Classification: Likely benign. Last evaluated: 2017-10-12. Review status: criteria provided, single submitter. Criteria: GeneDx Variant Classification (06012015). Collection method: clinical testing. Allele origin: germline. Affected: yes.
Comment: This variant is considered likely benign or benign based on one or more of the following criteria: it is a conservative change, it occurs at a poorly conserved position in the protein, it is predicted to be benign by multiple in silico algorithms, and/or has population frequency not consistent with disease.